The following is an entry in ClinVar:

NM_000384.3(APOB):c.10230_10234del (p.His3410fs)

Gene: APOB (apolipoprotein B; minus strand). Cytogenetic location: 2p24.1.
Variant type: Deletion.
Coding change: c.10230_10234del on transcript NM_000384.3 (MANE Select); coding-DNA positions 10230 to 10234, 5 bases deleted (TAACA; older notation c.10230_10234delTAACA).
Protein change: p.His3410fs; shifts the reading frame from histidine 3410.
Molecular consequence: frameshift variant.
Genome position (GRCh38, 1-based): chr2:21,006,634-21,006,638, TGTTA deleted on the plus strand (TAACA on the coding strand, the reverse complement: APOB is on the minus strand); deleting any 5 consecutive bases within chr2:21,006,634-21,006,640 gives the same sequence; the c. name uses the placement nearest the transcript's 3' end. VCF-style (leftmost placement, unchanged base first): chr2-21006633-CTGTTA-C. GRCh37 (hg19) VCF-style: chr2-21229505-CTGTTA-C.
Other names: short protein forms H3410fs.
Identifiers: ClinVar variation 2922354 (VCV002922354.3), dbSNP rs1663149096, ClinGen allele CA1028204357.

ClinVar aggregate classification (germline): Pathogenic (1 of 4 stars; one submission).

Conditions:
Hypercholesterolemia, autosomal dominant, type B (FHCL2). Also called: APOB-Related Familial Hypercholesterolemia, Autosomal Dominant; Familial Hypercholesterolemia Type B; APOLIPOPROTEIN B-100, FAMILIAL DEFECTIVE; APOLIPOPROTEIN B-100, FAMILIAL LIGAND-DEFECTIVE; HYPERCHOLESTEROLEMIA, FAMILIAL, DUE TO LIGAND-DEFECTIVE APOLIPOPROTEIN B; Hyperlipoproteinemia Type IIb. Identifiers: MedGen C1704417, MONDO:0007751, OMIM 144010.
Familial hypobetalipoproteinemia 1. Also called: Hypobetalipoproteinemia, normotriglyceridemic; Acanthocytosis with hypobetalipoproteinemia; APOB-Related Familial Hypobetalipoproteinemia. Identifiers: MedGen C4551990, MONDO:0014252, OMIM 615558.

Submission:

Labcorp Genetics (formerly Invitae), Labcorp
Classification: Pathogenic for Familial hypobetalipoproteinemia 1; Hypercholesterolemia, autosomal dominant, type B. Last evaluated: 2024-01-21. Review status: criteria provided, single submitter. Criteria: Invitae Variant Classification Sherloc (09022015). Collection method: clinical testing. Allele origin: germline.
Comment: This sequence change creates a premature translational stop signal (p.His3410Glnfs*34) in the APOB gene. It is expected to result in an absent or disrupted protein product. Loss-of-function variants in APOB are known to be pathogenic (PMID: 20032471). This variant is not present in population databases (gnomAD no frequency). This variant has not been reported in the literature in individuals affected with APOB-related conditions. For these reasons, this variant has been classified as Pathogenic.

Literature cited by the submitters: PubMed 20032471.